The following is an entry in ClinVar:

ClinVar aggregate classification (germline): Conflicting classifications of pathogenicity. Review status: criteria provided, conflicting classifications (1 of 4 stars). 8 submissions from 8 submitters: Uncertain significance (4); Likely benign (4). Last evaluated 2026-01-21.

Conditions:
FLCN-related disorder. Also called: FLCN-related condition.
Birt-Hogg-Dube syndrome 1 (BHD1). Also called: FIBROFOLLICULOMAS WITH TRICHODISCOMAS AND ACROCHORDONS. Identifiers: Orphanet 122, MedGen CN375946, MONDO:0800445, OMIM 135150.
Hereditary cancer-predisposing syndrome. Also called: Neoplastic Syndromes, Hereditary; Tumor predisposition; Hereditary neoplastic syndrome; Hereditary Cancer Syndrome. Identifiers: Orphanet 140162, MedGen C0027672, MeSH D009386, MONDO:0015356.
Birt-Hogg-Dube syndrome. Also called: Birt Hogg Dubé syndrome. Identifiers: Orphanet 122, MedGen C0346010, MONDO:0800444.

Allele frequency attached by ClinVar (database versions not stated): gnomAD exomes 0.00002 and 0.00006; TOPMed 0.00002; gnomAD 0.00005 and 0.00006.
gnomAD v4.1: 95 of 1,613,562 alleles (0.0059%); highest among the groups gnomAD compares: Non-Finnish European, 0.0075%; no homozygotes.

Submissions (8):

Labcorp Genetics (formerly Invitae), Labcorp
Classification: Likely benign for Birt-Hogg-Dube syndrome. Last evaluated: 2026-01-21. Review status: criteria provided, single submitter. Criteria: Invitae Variant Classification Sherloc (09022015). Collection method: clinical testing. Allele origin: germline.

PreventionGenetics, part of Exact Sciences
Classification: Likely benign for FLCN-related condition. Last evaluated: 2025-06-24. Review status: criteria provided, single submitter. Criteria: ACMG Guidelines, 2015. Collection method: clinical testing. Allele origin: germline.
Comment: This variant is classified as likely benign based on ACMG/AMP sequence variant interpretation guidelines (Richards et al. 2015 PMID: 25741868, with internal and published modifications).

Quest Diagnostics Nichols Institute San Juan Capistrano
Classification: Uncertain significance. Last evaluated: 2025-02-20. Review status: criteria provided, single submitter. Criteria: Quest Diagnostics criteria. Collection method: clinical testing. Allele origin: unknown.
Comment: The FLCN c.1274A>G (p.Gln425Arg) variant has been reported in the published literature in individuals with colorectal cancer (PMID: 28944238 (2017)). The frequency of this variant in the general population (Genome Aggregation Database) is higher than would generally be expected for pathogenic variants in this gene. Analysis of this variant using bioinformatics tools for the prediction of the effect of amino acid changes on protein structure and function yielded predictions that this variant is benign. Based on the available information, we are unable to determine the clinical significance of this variant.

Myriad Genetics, Inc.
Classification: Likely benign for Birt-Hogg-Dube syndrome 1. Last evaluated: 2024-10-24. Review status: criteria provided, single submitter. Criteria: Myriad Autosomal Dominant, Autosomal Recessive and X-Linked Classification Criteria (2023). Collection method: clinical testing. Allele origin: unknown.
Comment: This variant is considered likely benign. This variant has been observed at a population frequency that is significantly greater than expected given the associated disease prevalence and penetrance.

GeneDx
Classification: Uncertain significance. Last evaluated: 2023-12-21. Review status: criteria provided, single submitter. Criteria: GeneDx Variant Classification Process June 2021. Collection method: clinical testing. Allele origin: germline. Affected: yes.
Comment: In silico analysis supports that this missense variant does not alter protein structure/function; Has not been previously published as pathogenic or benign to our knowledge; This variant is associated with the following publications: (PMID: 17028174)

Sema4
Classification: Uncertain significance for Hereditary cancer-predisposing syndrome. Last evaluated: 2021-10-30. Review status: criteria provided, single submitter. Criteria: Sema4 Curation Guidelines. Collection method: curation. Allele origin: germline.
Comment: The FLCN c.1274A>G (p.Q425R) variant has not been reported in the literature to our knowledge. It was observed in 7/127120 chromosomes of the European (non-Finnish) subpopulation in the Genome Aggregation Database (PMID: 32461654), and has been reported in ClinVar (Variation ID 186952). Functional studies have not been performed, and in silico predictions of the variant's effect on protein function are inconclusive. The evidence is insufficient to meet ACMG/AMP criteria for classifying the variant as benign or pathogenic. Thus, the clinical significance of this variant is currently uncertain.

Ambry Genetics
Classification: Likely benign for Hereditary cancer-predisposing syndrome. Last evaluated: 2021-03-30. Review status: criteria provided, single submitter. Criteria: Ambry Variant Classification Scheme 2023. Collection method: clinical testing. Allele origin: germline.

Johns Hopkins Genomics, Johns Hopkins University
Classification: Uncertain significance for Birt-Hogg-Dube syndrome 1. Last evaluated: 2019-10-07. Review status: criteria provided, single submitter. Criteria: ACMG Guidelines, 2015. Collection method: clinical testing. Allele origin: germline.
Comment: This FLCN variant (rs786203348) is rare (<0.1%) in a large population dataset (gnomAD: 9/280056 total alleles; 0.0032%; no homozygotes). This variant has not been reported in the literature, to our knowledge. Two submitters in ClinVar classify c.1274A>G as a variant of uncertain clinical significance. Three bioinformatic tools queried predict that this substitution would be tolerated, and the glutamine residue at this position is poorly evolutionarily conserved across species assessed. Due to lack of funtional and segregation studies, we consider the clinical significance of c.1274A>G to be uncertain at this time.

Literature cited by the submitters: PubMed 28944238 (cited by Quest Diagnostics Nichols Institute San Juan Capistrano).

NM_144997.7(FLCN):c.1274A>G (p.Gln425Arg)

Gene: FLCN (folliculin; minus strand). Cytogenetic location: 17p11.2.
Variant type: single nucleotide variant.
Coding change: c.1274A>G on transcript NM_144997.7 (MANE Select); coding-DNA position 1274, A replaced by G.
Protein change: p.Gln425Arg; replaces glutamine 425 with arginine.
Molecular consequence: missense variant.
Genome position (GRCh38, 1-based): chr17:17,216,406, T>C on the plus strand (A>G on the coding strand, the complement: FLCN is on the minus strand). VCF-style: chr17-17216406-T-C. GRCh37 (hg19) VCF-style: chr17-17119720-T-C.
Other names: c.1274A>G (NM_144997.6, LRG_325t1); c.1328A>G, p.Gln443Arg (NM_001353229.2); c.1274A>G, p.Gln425Arg (NM_001353230.2, NM_001353231.2); short protein forms Q425R, Q443R.
Identifiers: ClinVar variation 186952 (VCV000186952.24), dbSNP rs786203348, ClinGen allele CA196326.